The following is an entry in ClinVar:

ClinVar aggregate classification (germline): Conflicting classifications of pathogenicity. Review status: criteria provided, conflicting classifications (1 of 4 stars). 8 submissions from 8 submitters: Likely pathogenic (1); Uncertain significance (5). 2 of the submissions do not count toward it. Last evaluated 2026-10-08.

Conditions:
Charcot-Marie-Tooth disease type 4B3. Also called: CHARCOT-MARIE-TOOTH DISEASE, DEMYELINATING, TYPE 4B3; Charcot-Marie-Tooth Neuropathy Type 4B3. Identifiers: Orphanet 363981, MedGen C3695063, MONDO:0014117, OMIM 615284.
Tip-toe gait. Also called: Toe walking. Identifiers: MedGen C0427144, HP:0030051.
SBF1-related disorder. Also called: SBF1-related condition.

Allele frequency attached by ClinVar (database versions not stated): ESP Exome Variant Server 0.00008; gnomAD exomes 0.00011 and 0.00013; TOPMed 0.00018; ExAC 0.00013; gnomAD 0.00017 and 0.00018.
gnomAD v4.1: 180 of 1,613,430 alleles (0.011%); highest among the groups gnomAD compares: Middle Eastern, 0.016%; no homozygotes.

Submissions (8):

GeneDx
Classification: Uncertain significance. Last evaluated: 2026-10-08. Review status: criteria provided, single submitter. Criteria: GeneDx Variant Classification Process June 2021. Collection method: clinical testing. Allele origin: germline.
Comment: Functional studies on patient-derived fibroblasts harboring p.(R763H)/p.(G1064E) showed normal basal macroautophagy but failed to increase autophagy in response to mitochondrial stress or protein aggregates; however, additional studies studying this variant independently are needed (PMID: 40998285); In silico analysis supports that this missense variant has a deleterious effect on protein structure/function; This variant is associated with the following publications: (PMID: 36272304, 34118926, 40998285)

Mayo Clinic Laboratories, Mayo Clinic
Classification: Uncertain significance. Last evaluated: 2025-09-17. Review status: criteria provided, single submitter. Criteria: ACMG Guidelines, 2015. Collection method: clinical testing. Allele origin: germline. Observed: 1 variant allele.
Comment: BP4, PM2_supporting

Blueprint Genetics
Classification: Uncertain significance. Last evaluated: 2024-11-25. Review status: criteria provided, single submitter. Criteria: ACMG Guidelines, 2015. Collection method: clinical testing. Allele origin: germline.

Women's Health and Genetics/Laboratory Corporation of America, LabCorp
Classification: Uncertain significance. Last evaluated: 2023-06-16. Review status: criteria provided, single submitter. Criteria: LabCorp Variant Classification Summary - May 2015. Collection method: clinical testing. Allele origin: germline.
Comment: Variant summary: SBF1 c.3191G>A (p.Gly1064Glu) results in a non-conservative amino acid change in the encoded protein sequence. Three of five in-silico tools predict a damaging effect of the variant on protein function. The variant allele was found at a frequency of 0.00013 in 248956 control chromosomes. c.3191G>A has been reported in the literature in individuals affected with Charcot Marie Tooth Disease Type 4B3 (Berti_2021). This report does not provide unequivocal conclusions about association of the variant with Charcot Marie Tooth Disease Type 4B3. To our knowledge, no experimental evidence demonstrating an impact on protein function has been reported. The following publication have been ascertained in the context of this evaluation (PMID: 34118926). Three clinical diagnostic laboratories have submitted clinical-significance assessments for this variant to ClinVar after 2014 and classified as likely pathogenic (n=2) and VUS (n=1). Based on the evidence outlined above, the variant was classified as uncertain significance.

Labcorp Genetics (formerly Invitae), Labcorp
Classification: Uncertain significance. Last evaluated: 2022-10-26. Review status: criteria provided, single submitter. Criteria: Invitae Variant Classification Sherloc (09022015). Collection method: clinical testing. Allele origin: germline.
Comment: This sequence change replaces glycine, which is neutral and non-polar, with glutamic acid, which is acidic and polar, at codon 1064 of the SBF1 protein (p.Gly1064Glu). This variant is present in population databases (rs201200122, gnomAD 0.03%). This missense change has been observed in individual(s) with Charcot-Marie-Tooth disease (PMID: 34118926). ClinVar contains an entry for this variant (Variation ID: 1120019). Advanced modeling of protein sequence and biophysical properties (such as structural, functional, and spatial information, amino acid conservation, physicochemical variation, residue mobility, and thermodynamic stability) performed at Invitae indicates that this missense variant is expected to disrupt SBF1 protein function. In summary, the available evidence is currently insufficient to determine the role of this variant in disease. Therefore, it has been classified as a Variant of Uncertain Significance.

Practice for Gait Abnormalities, David Pomarino, Competency Network Toe Walking C/o Practice Pomarino
Classification: Likely pathogenic for Tip-toe gait. Last evaluated: 2021-12-15. Review status: criteria provided, single submitter. Criteria: ACMG Guidelines, 2015. Collection method: clinical testing. Allele origin: germline. Affected: yes.
Comment: Hereditary motor sensory neuropathy (HMSN), also known as Charcot-Marie-Tooth Disease (CMT), is the most commonly inherited peripheral polyneuropathy. It constitutes a group of inherited, progressive, motor and sensory peripheral nerve disorders with properties of demyelination, axonal degeneration, or both. It is classified by clinical characteristics, modes of inheritance, electrophysiologic features, metabolic defects, and specific gene markers. Our patients all walk on tiptoe, so they show similar symptoms. When we genetically test them with our toe walking panel, we find that around 90 per cent of them have a genetic variant that explains their toe walking. These can be assigned, for example, to the area of myopathies (such as variants of the COL6A3 gene), the area of hereditary neuropathies (such as variants of the KMT2C gene) or the area of metabolic diseases (such as variants of the PYGM gene). In a smaller group of patients with almost identical symptoms, no abnormality is found in the genes of our panel, but spastic paraplegia can be detected. In another small group of our toe walkers, no abnormalities can be detected in the genes analysed in our toe walking panel, nor do they suffer from spastic paraplegia, as is also the case with healthy children. In contrast to these, however, they show a tiptoe gait. These patients suffer from infantile cerebral palsy, in which toe walking can also be observed.

PreventionGenetics, part of Exact Sciences
Classification: Uncertain significance for SBF1-related condition. Last evaluated: 2024-05-30. Review status: no assertion criteria provided. Collection method: clinical testing. Allele origin: germline. Not counted in ClinVar's aggregate classification.
Comment: The SBF1 c.3191G>A variant is predicted to result in the amino acid substitution p.Gly1064Glu. This variant was reported in the compound heterozygous state in an individual with Charcot-Marie-Tooth disease; however, pathogenicity was not established (Berti et al. 2021. PubMed ID: 34118926). This variant is reported in 0.024% of alleles in individuals of European (Non-Finnish) descent in gnomAD. At this time, the clinical significance of this variant is uncertain due to the absence of conclusive functional and genetic evidence.

Department of Medical Basic Sciences,  Neurosciences and Sense Organs, University of Bari
Classification: Likely pathogenic for Charcot-Marie-Tooth disease type 4B3. Review status: no assertion criteria provided. Collection method: research. Allele origin: maternal. Inheritance: Autosomal recessive inheritance. Affected: yes. Observed: 1 variant allele, 1 compound heterozygote. Not counted in ClinVar's aggregate classification.

Literature cited by the submitters: PubMed 34118926 (cited by 3 submitters); PubMed 36272304 (cited by Mayo Clinic Laboratories, Mayo Clinic); PubMed 37091313 (cited by Practice for Gait Abnormalities, David Pomarino, Competency Network Toe Walking C/o Practice Pomarino).

NM_002972.4(SBF1):c.3191G>A (p.Gly1064Glu)

Gene: SBF1 (SET binding factor 1; minus strand). Cytogenetic location: 22q13.33.
Variant type: single nucleotide variant.
Coding change: c.3191G>A on transcript NM_002972.4 (MANE Select); coding-DNA position 3191, G replaced by A.
Protein change: p.Gly1064Glu; replaces glycine 1064 with glutamic acid.
Molecular consequence: missense variant.
Genome position (GRCh38, 1-based): chr22:50,460,364, C>T on the plus strand (G>A on the coding strand, the complement: SBF1 is on the minus strand). VCF-style: chr22-50460364-C-T. GRCh37 (hg19) VCF-style: chr22-50898793-C-T.
Other names: MTMR5; p.Gly1064Glu; c.3194G>A, p.Gly1065Glu (NM_001365819.1); c.3191G>A (NM_002972.3, NM_002972.2); short protein forms G1064E, G1065E.
Identifiers: ClinVar variation 1120019 (VCV001120019.14), dbSNP rs201200122, ClinGen allele CA10316830.